The following is an entry in ClinVar:

ClinVar aggregate classification (germline): Likely benign. Review status: criteria provided, multiple submitters, no conflicts (2 of 4 stars). 3 submissions from 3 submitters: Likely benign (3). Last evaluated 2025-05-28.

Conditions:
Hereditary cancer-predisposing syndrome. Also called: Neoplastic Syndromes, Hereditary; Hereditary Cancer Syndrome; Tumor predisposition; Hereditary neoplastic syndrome. Identifiers: Orphanet 140162, MedGen C0027672, MeSH D009386, MONDO:0015356.
Hereditary pheochromocytoma and paraganglioma. Also called: Hereditary Paraganglioma-Pheochromocytoma Syndromes; Hereditary paragangliomas and pheochromocytomas; Hereditary pheochromocytoma-paraganglioma. Identifiers: Orphanet 29072, MedGen C4274332, MONDO:0017366.

Submissions (3):

Labcorp Genetics (formerly Invitae), Labcorp
Classification: Likely benign for Hereditary pheochromocytoma and paraganglioma. Last evaluated: 2025-05-28. Review status: criteria provided, single submitter. Criteria: Invitae Variant Classification Sherloc (09022015). Collection method: clinical testing. Allele origin: germline.

Ambry Genetics
Classification: Likely benign for Hereditary cancer-predisposing syndrome. Last evaluated: 2022-04-09. Review status: criteria provided, single submitter. Criteria: Ambry Variant Classification Scheme 2023. Collection method: clinical testing. Allele origin: germline.

GeneDx
Classification: Likely benign. Last evaluated: 2017-12-19. Review status: criteria provided, single submitter. Criteria: GeneDx Variant Classification (06012015). Collection method: clinical testing. Allele origin: germline. Affected: yes.
Comment: This variant is considered likely benign or benign based on one or more of the following criteria: it is a conservative change, it occurs at a poorly conserved position in the protein, it is predicted to be benign by multiple in silico algorithms, and/or has population frequency not consistent with disease.

NM_002382.5(MAX):c.435G>A (p.Glu145=)

Gene: MAX (MYC associated transcriptional regulator X; minus strand). Cytogenetic location: 14q23.3.
Variant type: single nucleotide variant.
Coding change: c.435G>A on transcript NM_002382.5 (MANE Select); coding-DNA position 435, G replaced by A.
Protein change: p.Glu145=; no amino-acid change (glutamic acid 145 retained).
Molecular consequence: synonymous variant. On other transcripts: 3 prime UTR variant (12), non-coding transcript variant (7), intron variant (2).
Genome position (GRCh38, 1-based): chr14:65,076,524, C>T on the plus strand (G>A on the coding strand, the complement: MAX is on the minus strand). VCF-style: chr14-65076524-C-T. GRCh37 (hg19) VCF-style: chr14-65543242-C-T.
Other names: c.246G>A, p.Glu82= (NM_001320415.2, NM_001407105.1, NM_001407106.1 and 1 more transcripts); c.435G>A, p.Glu145= (NM_001407094.1); c.408G>A, p.Glu136= (NM_001407095.1, NM_145112.3); c.*208G>A (NM_001407096.1, NM_001407099.1, NM_001407102.1 and 2 more transcripts); c.*224G>A (NM_001407097.1, NM_001407100.1, NM_001407101.1 and 4 more transcripts); c.327G>A, p.Glu109= (NM_001407098.1); c.234G>A, p.Glu78= (NM_001407111.1, NM_001407112.1); c.144+17184G>A (NM_001271069.2); and 1 more.
Identifiers: ClinVar variation 514278 (VCV000514278.11), dbSNP rs1555340184, ClinGen allele CA390031347.